The following is an entry in ClinVar:

ClinVar aggregate classification (germline): Likely benign (0 of 4 stars; one submission).

Conditions:
PLXNA1-related disorder. Also called: PLXNA1-related condition.

Submission:

PreventionGenetics, part of Exact Sciences
Classification: Likely benign for PLXNA1-related condition. Last evaluated: 2022-02-27. Review status: no assertion criteria provided. Collection method: clinical testing. Allele origin: germline.
Comment: This variant is classified as likely benign based on ACMG/AMP sequence variant interpretation guidelines (Richards et al. 2015 PMID: 25741868, with internal and published modifications).

NM_032242.4(PLXNA1):c.2118C>T (p.Cys706=)

Gene: PLXNA1 (plexin A1; plus strand). Cytogenetic location: 3q21.3.
Variant type: single nucleotide variant.
Coding change: c.2118C>T on transcript NM_032242.4 (MANE Select); coding-DNA position 2118, C replaced by T.
Protein change: p.Cys706=; no amino-acid change (cysteine 706 retained).
Molecular consequence: synonymous variant.
Genome position (GRCh38, 1-based): chr3:127,011,963, C>T. VCF-style: chr3-127011963-C-T. GRCh37 (hg19) VCF-style: chr3-126730806-C-T.
Identifiers: ClinVar variation 3355637 (VCV003355637.1).